The following is an entry in ClinVar:

NM_007254.4(PNKP):c.407C>G (p.Pro136Arg)

Gene: PNKP (polynucleotide kinase 3'-phosphatase; minus strand). Cytogenetic location: 19q13.33.
Variant type: single nucleotide variant.
Coding change: c.407C>G on transcript NM_007254.4 (MANE Select); coding-DNA position 407, C replaced by G.
Protein change: p.Pro136Arg; replaces proline 136 with arginine.
Molecular consequence: missense variant.
Genome position (GRCh38, 1-based): chr19:49,865,218, G>C on the plus strand (C>G on the coding strand, the complement: PNKP is on the minus strand). VCF-style: chr19-49865218-G-C. GRCh37 (hg19) VCF-style: chr19-50368475-G-C.
Other names: c.407C>G (NM_007254.2); short protein forms P136R.
Identifiers: ClinVar variation 2179975 (VCV002179975.5), dbSNP rs11555414, ClinGen allele CA309498482.

ClinVar aggregate classification (germline): Uncertain significance. Review status: criteria provided, multiple submitters, no conflicts (2 of 4 stars). 2 submissions from 2 submitters: Uncertain significance (2). Last evaluated 2023-10-12.

Conditions:
Developmental and epileptic encephalopathy, 12 (DEE12). Identifiers: MedGen C3150988, MONDO:0013389, OMIM 613722.

gnomAD v4.1: 5 of 1,614,122 alleles (0.00031%); highest among the groups gnomAD compares: Admixed American, 0.0067%; no homozygotes.

Submissions (2):

Labcorp Genetics (formerly Invitae), Labcorp
Classification: Uncertain significance for Developmental and epileptic encephalopathy, 12. Last evaluated: 2023-10-12. Review status: criteria provided, single submitter. Criteria: Invitae Variant Classification Sherloc (09022015). Collection method: clinical testing. Allele origin: germline.
Comment: This sequence change replaces proline, which is neutral and non-polar, with arginine, which is basic and polar, at codon 136 of the PNKP protein (p.Pro136Arg). This variant is present in population databases (no rsID available, gnomAD 0.009%). This variant has not been reported in the literature in individuals affected with PNKP-related conditions. ClinVar contains an entry for this variant (Variation ID: 2179975). Advanced modeling of protein sequence and biophysical properties (such as structural, functional, and spatial information, amino acid conservation, physicochemical variation, residue mobility, and thermodynamic stability) performed at Invitae indicates that this missense variant is not expected to disrupt PNKP protein function. In summary, the available evidence is currently insufficient to determine the role of this variant in disease. Therefore, it has been classified as a Variant of Uncertain Significance.

GeneDx
Classification: Uncertain significance. Last evaluated: 2023-07-19. Review status: criteria provided, single submitter. Criteria: GeneDx Variant Classification Process June 2021. Collection method: clinical testing. Allele origin: germline. Affected: yes.
Comment: Not observed at significant frequency in large population cohorts (gnomAD); In silico analysis supports that this missense variant does not alter protein structure/function; Has not been previously published as pathogenic or benign to our knowledge